The following is an entry in ClinVar:

NM_153700.2(STRC):c.4702-3del

Gene: STRC (stereocilin; minus strand). Cytogenetic location: 15q15.3.
Variant type: Deletion.
Coding change: c.4702-3del on transcript NM_153700.2 (MANE Select); 3 bases into the intron before coding-DNA position 4702, one base deleted (C; older notation c.4702-3delC).
Molecular consequence: intron variant.
Genome position (GRCh38, 1-based): chr15:43,601,017, G deleted on the plus strand (C on the coding strand, the reverse complement: STRC is on the minus strand); the first of 4 consecutive G bases (chr15:43,601,017-43,601,020); deleting any one gives the same sequence. VCF-style (leftmost placement, unchanged base first): chr15-43601016-TG-T. GRCh37 (hg19) VCF-style: chr15-43893214-TG-T.
Other names: c.4702-3delC (NM_153700.2).
Identifiers: ClinVar variation 165303 (VCV000165303.5), dbSNP rs371263304, ClinGen allele CA178040.

ClinVar aggregate classification (germline): Likely benign (1 of 4 stars; one submission).

Submission:

Laboratory for Molecular Medicine, Mass General Brigham Personalized Medicine
Classification: Likely benign. Last evaluated: 2014-06-19. Review status: criteria provided, single submitter. Criteria: LMM Criteria. Collection method: clinical testing. Allele origin: germline. Observed: 1 variant allele.
Comment: 4702-3del variant in intron 24 of STRC: This variant is not expected to have cli nical significance because it does not deviate from the splice consensus sequenc e. It has been identified in 0.03% (2/5930) of European American chromosomes and in 0.3% (7/2532) of African American chromosomes by the NHLBI Exome Sequencing Project.